The following is an entry in ClinVar:

NM_003470.3(USP7):c.845C>G (p.Ser282Ter)

Gene: USP7 (ubiquitin specific peptidase 7; minus strand). Cytogenetic location: 16p13.2.
Variant type: single nucleotide variant.
Coding change: c.845C>G on transcript NM_003470.3 (MANE Select); coding-DNA position 845, C replaced by G.
Protein change: p.Ser282Ter; replaces serine 282 with a stop codon.
Molecular consequence: nonsense. On other transcripts: non-coding transcript variant (1).
Genome position (GRCh38, 1-based): chr16:8,917,032, G>C on the plus strand (C>G on the coding strand, the complement: USP7 is on the minus strand). VCF-style: chr16-8917032-G-C. GRCh37 (hg19) VCF-style: chr16-9010889-G-C.
Other names: c.797C>G, p.Ser266Ter (NM_001286457.2); c.548C>G, p.Ser183Ter (NM_001286458.2); c.671C>G, p.Ser224Ter (NM_001321858.2); short protein forms S224*, S183*, S282*, S266*.
Identifiers: ClinVar variation 2256895 (VCV002256895.2), dbSNP rs2549242502, ClinGen allele CA394703867.

ClinVar aggregate classification (germline): Pathogenic (1 of 4 stars; one submission).

Conditions:
Inborn genetic diseases. Identifiers: MedGen C0950123, MeSH D030342.

Submission:

Ambry Genetics
Classification: Pathogenic for Inborn genetic diseases. Last evaluated: 2021-11-29. Review status: criteria provided, single submitter. Criteria: Ambry Variant Classification Scheme 2023. Collection method: clinical testing. Allele origin: germline.
Comment: The c.845C>G (p.S282*) alteration, located in exon 7 (coding exon 7) of the USP7 gene, consists of a C to G substitution at nucleotide position 845. This changes the amino acid from a serine (S) to a stop codon at amino acid position 282. This alteration is expected to result in loss of function by premature protein truncation or nonsense-mediated mRNA decay. This variant was not reported in population-based cohorts in the Genome Aggregation Database (gnomAD). Based on the available evidence, this alteration is classified as pathogenic.